The following is an entry in ClinVar:

NM_000834.5(GRIN2B):c.1147T>G (p.Ser383Ala)

Gene: GRIN2B (glutamate ionotropic receptor NMDA type subunit 2B; minus strand). Cytogenetic location: 12p13.1.
Variant type: single nucleotide variant.
Coding change: c.1147T>G on transcript NM_000834.5 (MANE Select); coding-DNA position 1147, T replaced by G.
Protein change: p.Ser383Ala; replaces serine 383 with alanine.
Molecular consequence: missense variant.
Genome position (GRCh38, 1-based): chr12:13,616,636, A>C on the plus strand (T>G on the coding strand, the complement: GRIN2B is on the minus strand). VCF-style: chr12-13616636-A-C. GRCh37 (hg19) VCF-style: chr12-13769570-A-C.
Other names: short protein forms S383A.
Identifiers: ClinVar variation 665671 (VCV000665671.9), dbSNP rs199671864, ClinGen allele CA6461286.

ClinVar aggregate classification (germline): Uncertain significance (1 of 4 stars; one submission).

Conditions:
Intellectual developmental disorder, autosomal dominant 6, with or without seizures. Also called: Intellectual disability, autosomal dominant 6; GRIN2B-related developmental delay, intellectual disability and autism spectrum disorder. Identifiers: Orphanet 589547, MedGen C3151411, MONDO:0013509, OMIM 613970.
Developmental and epileptic encephalopathy, 27 (DEE27). Also called: GRIN2B-Related Neurodevelopmental Disorder; Epileptic encephalopathy, early infantile, 27. Identifiers: Orphanet 3451, MedGen C4015316, MONDO:0014505, OMIM 616139.

Allele frequency attached by ClinVar (database versions not stated): 1000 Genomes Project 0.00020; 1000 Genomes Project 30x 0.00016.
gnomAD v4.1: 3 of 1,613,850 alleles (0.00019%); highest among the groups gnomAD compares: African/African-American, 0.004%; no homozygotes.

Submission:

Labcorp Genetics (formerly Invitae), Labcorp
Classification: Uncertain significance for Developmental and epileptic encephalopathy, 27; Intellectual developmental disorder, autosomal dominant 6, with or without seizures. Last evaluated: 2020-11-18. Review status: criteria provided, single submitter. Criteria: Invitae Variant Classification Sherloc (09022015). Collection method: clinical testing. Allele origin: germline.
Comment: This sequence change replaces serine with alanine at codon 383 of the GRIN2B protein (p.Ser383Ala). The serine residue is highly conserved and there is a moderate physicochemical difference between serine and alanine. This variant is present in population databases (rs199671864, ExAC 0.01%). This variant has not been reported in the literature in individuals with GRIN2B-related disease. Algorithms developed to predict the effect of missense changes on protein structure and function (SIFT, PolyPhen-2, Align-GVGD) all suggest that this variant is likely to be tolerated, but these predictions have not been confirmed by published functional studies and their clinical significance is uncertain. In summary, the available evidence is currently insufficient to determine the role of this variant in disease. Therefore, it has been classified as a Variant of Uncertain Significance.